The following is an entry in ClinVar:

NM_001114753.3(ENG):c.1701del (p.Val568fs)

Genes: ENG (endoglin; minus strand), LOC102723566 (uncharacterized LOC102723566; plus strand). Cytogenetic location: 9q34.11.
Variant type: Deletion.
Coding change: c.1701del on transcript NM_001114753.3 (MANE Select); coding-DNA position 1701, one base deleted (T; older notation c.1701delT).
Protein change: p.Val568fs; shifts the reading frame from valine 568.
Molecular consequence: frameshift variant. On other transcripts: non-coding transcript variant (1).
Genome position (GRCh38, 1-based): chr9:127,817,189, A deleted on the plus strand (T on the coding strand, the reverse complement: ENG is on the minus strand). VCF-style (leftmost placement, unchanged base first): chr9-127817188-CA-C. GRCh37 (hg19) VCF-style: chr9-130579467-CA-C.
Other names: NM_001114753.3(ENG):c.1701del; c.1701delT, p.Val568Serfs (NM_000118.4); c.1155del, p.Val386fs (NM_001278138.2); short protein forms V386fs, V568fs.
Identifiers: ClinVar variation 618625 (VCV000618625.9), dbSNP rs1564452060, ClinGen allele CA913190140.

ClinVar aggregate classification (germline): Pathogenic. Review status: reviewed by expert panel (3 of 4 stars). 2 submissions from 2 submitters: Pathogenic (1). 1 of the submissions does not count toward it. Last evaluated 2024-03-15.

Conditions:
Telangiectasia, hereditary hemorrhagic, type 1 (HHT1). Also called: Osler Weber Rendu syndrome type 1; ENG-Related Hereditary Hemorrhagic Telangiectasia. Identifiers: Orphanet 774, MedGen C4551861, MONDO:0008535, OMIM 187300. Disease mechanism: loss of function.

Submissions (2):

ClinGen Hereditary Hemorrhagic Telangiectasia Variant Curation Expert Panel, ClinGen
Classification: Pathogenic for Telangiectasia, hereditary hemorrhagic, type 1. Last evaluated: 2024-03-15. Review status: reviewed by expert panel. Criteria: ClinGen HHT ACMG Specifications ENG V1.1.0. Collection method: curation. Allele origin: germline. Inheritance: Autosomal dominant inheritance.
Comment: The NM_001114753.3: c.1701del (p.Val568Serfs*5) variant in ENG is a frameshift variant predicted to cause a premature stop codon in biologically relevant exon 13 (out of 15) leading to nonsense mediated decay in a gene in which loss-of-function is an established disease mechanism (PVS1). This variant is absent from gnomAD v2.1.1 (PM2_Supporting). This variant has been reported in a proband with a phenotype consistent of HHT (PS4_Supporting; Internal lab contributors). In summary, this variant meets the criteria to be classified as pathogenic for autosomal dominant hereditary hemorrhagic telangiectasia based on the ACMG/AMP criteria applied, as specified by the ClinGen Hereditary Hemorrhagic Telangiectasia Variant Curation Expert Panel: PVS1, PM2_Supporting, PS4_Supporting (specification version 1.0.0; 1/4/2024).

ARUP Laboratories, Molecular Genetics and Genomics, ARUP Laboratories
Classification: Pathogenic. Last evaluated: 2017-09-26. Review status: criteria provided, single submitter. Criteria: ARUP Molecular Germline Variant Investigation Process. Collection method: clinical testing. Allele origin: germline. Not counted in ClinVar's aggregate classification.
Comment: The ENG c.1701delT; p.Val568fs variant has not been reported in the literature, gene-specific databases, or general population databases (Exome Variant Server, Genome Aggregation Database). This variant creates a frameshift and is predicted to result in a truncated protein or absent transcript. Based on this information, c.1701delT is considered pathogenic.